The following is an entry in ClinVar:

ClinVar aggregate classification (germline): Conflicting classifications of pathogenicity. Review status: criteria provided, conflicting classifications (1 of 4 stars). 3 submissions from 2 submitters: Uncertain significance (1); Likely benign (2). Last evaluated 2023-09-22.

Conditions:
Stickler syndrome type 1 (STL1). Also called: ARTHROOPHTHALMOPATHY, HEREDITARY PROGRESSIVE; STICKLER SYNDROME, MEMBRANOUS VITREOUS TYPE; STICKLER SYNDROME, VITREOUS TYPE 1; COL2A1-Related Stickler Syndrome. Identifiers: Orphanet 828, Orphanet 90653, MedGen C2020284, MONDO:0007160, OMIM 108300.
Type 2 collagenopathy. Identifiers: Orphanet 93421, MedGen C2931073, MONDO:0022800.

Allele frequency attached by ClinVar (database versions not stated): gnomAD exomes 0.00001 and 0.00002; ExAC 0.00003.
gnomAD v4.1: 19 of 1,613,836 alleles (0.0012%); highest among the groups gnomAD compares: East Asian, 0.04%; no homozygotes.

Submissions (3):

Labcorp Genetics (formerly Invitae), Labcorp
Classification: Likely benign. Last evaluated: 2023-09-22. Review status: criteria provided, single submitter. Criteria: Invitae Variant Classification Sherloc (09022015). Collection method: clinical testing. Allele origin: germline.

Illumina Laboratory Services, Illumina
Classification: Uncertain significance for Stickler syndrome type 1. Last evaluated: 2018-01-12. Review status: criteria provided, single submitter. Criteria: ICSL Variant Classification Criteria 13 December 2019. Collection method: clinical testing. Allele origin: germline.

Illumina Laboratory Services, Illumina
Classification: Likely benign for Type II Collagenopathies. Last evaluated: 2018-01-12. Review status: criteria provided, single submitter. Criteria: ICSL Variant Classification Criteria 13 December 2019. Collection method: clinical testing. Allele origin: germline.
Comment: This variant was observed in the ICSL laboratory as part of a predisposition screen in an ostensibly healthy population. It had not been previously curated by ICSL or reported in the Human Gene Mutation Database (HGMD: prior to June 1st, 2018), and was therefore a candidate for classification through an automated scoring system. Utilizing variant allele frequency, disease prevalence and penetrance estimates, and inheritance mode, an automated score was calculated to assess if this variant is too frequent to cause the disease. Based on the score and internal cut-off values, a variant classified as likely benign is not then subjected to further curation. The score for this variant resulted in a classification of likely benign for this disease.

NM_001844.5(COL2A1):c.1659A>G (p.Glu553=)

Gene: COL2A1 (collagen type II alpha 1 chain; minus strand). Cytogenetic location: 12q13.11.
Variant type: single nucleotide variant.
Coding change: c.1659A>G on transcript NM_001844.5 (MANE Select); coding-DNA position 1659, A replaced by G.
Protein change: p.Glu553=; no amino-acid change (glutamic acid 553 retained).
Molecular consequence: synonymous variant.
Genome position (GRCh38, 1-based): chr12:47,985,749, T>C on the plus strand (A>G on the coding strand, the complement: COL2A1 is on the minus strand). VCF-style: chr12-47985749-T-C. GRCh37 (hg19) VCF-style: chr12-48379532-T-C.
Other names: c.1452A>G, p.Glu484= (NM_033150.3).
Identifiers: ClinVar variation 308925 (VCV000308925.8), dbSNP rs756360655, ClinGen allele CA6535431.